The following is an entry in ClinVar:

ClinVar aggregate classification (germline): Uncertain significance (1 of 4 stars; one submission).

Conditions:
Pityriasis rubra pilaris (PRP). Also called: Pityriasis rubra pilaris--familial type. Identifiers: Orphanet 2897, MedGen C0032027, MONDO:0100017, OMIM 173200, MONDO:0008251.
Psoriasis 2. Identifiers: MedGen C1864497, MONDO:0011269, OMIM 602723.

Submission:

Labcorp Genetics (formerly Invitae), Labcorp
Classification: Uncertain significance for Pityriasis rubra pilaris; Psoriasis 2. Last evaluated: 2024-11-03. Review status: criteria provided, single submitter. Criteria: Invitae Variant Classification Sherloc (09022015). Collection method: clinical testing. Allele origin: germline.
Comment: This sequence change replaces phenylalanine, which is neutral and non-polar, with cysteine, which is neutral and slightly polar, at codon 627 of the CARD14 protein (p.Phe627Cys). This variant is not present in population databases (gnomAD no frequency). This variant has not been reported in the literature in individuals affected with CARD14-related conditions. Invitae Evidence Modeling of protein sequence and biophysical properties (such as structural, functional, and spatial information, amino acid conservation, physicochemical variation, residue mobility, and thermodynamic stability) indicates that this missense variant is not expected to disrupt CARD14 protein function with a negative predictive value of 95%. In summary, the available evidence is currently insufficient to determine the role of this variant in disease. Therefore, it has been classified as a Variant of Uncertain Significance.

NM_001366385.1(CARD14):c.1880T>G (p.Phe627Cys)

Genes: SGSH (N-sulfoglucosamine sulfohydrolase; minus strand), CARD14 (caspase recruitment domain family member 14; plus strand). Cytogenetic location: 17q25.3.
Variant type: single nucleotide variant.
Coding change: c.1880T>G on transcript NM_001366385.1 (MANE Select); coding-DNA position 1880, T replaced by G.
Protein change: p.Phe627Cys; replaces phenylalanine 627 with cysteine.
Molecular consequence: missense variant. On other transcripts: non-coding transcript variant (1).
Genome position (GRCh38, 1-based): chr17:80,201,772, T>G. VCF-style: chr17-80201772-T-G. GRCh37 (hg19) VCF-style: chr17-78175571-T-G.
Other names: c.1880T>G, p.Phe627Cys (NM_001257970.1, NM_024110.4); short protein forms F627C.
Identifiers: ClinVar variation 3759102 (VCV003759102.2).
Genomic context (GRCh38, chr17:80,201,772, plus strand): 5'-GAAAGAGACTGACCTTCTCGACTTGCCCTCAGGTTGATTACGAAGCCTCAGAGCCCTTGT[T>G]CAAGGCAGTCCTGGAGGACACGACCCTGGAGGAGGCCGTGGGGCTTCTCAGGAGGGTGGA-3'
Protein context (NP_001353314.1, residues 617-637): MVDYEASEPL[Phe627Cys]KAVLEDTTLE